The following is an entry in ClinVar:

NM_000540.3(RYR1):c.3974C>T (p.Ala1325Val)

Gene: RYR1 (ryanodine receptor 1; plus strand). Cytogenetic location: 19q13.2.
Variant type: single nucleotide variant.
Coding change: c.3974C>T on transcript NM_000540.3 (MANE Select); coding-DNA position 3974, C replaced by T.
Protein change: p.Ala1325Val; replaces alanine 1325 with valine.
Molecular consequence: missense variant.
Genome position (GRCh38, 1-based): chr19:38,473,585, C>T. VCF-style: chr19-38473585-C-T. GRCh37 (hg19) VCF-style: chr19-38964225-C-T.
Other names: c.3974C>T, p.Ala1325Val (NM_001042723.2); short protein forms A1325V.
Identifiers: ClinVar variation 5028634 (VCV005028634.1).

ClinVar aggregate classification (germline): Uncertain significance (1 of 4 stars; one submission).

Conditions:
Inborn genetic diseases. Identifiers: MedGen C0950123, MeSH D030342.

gnomAD v4.1: 5 of 1,587,230 alleles (0.00032%); highest among the groups gnomAD compares: African/African-American, 0.0013%; no homozygotes.

Submission:

Ambry Genetics
Classification: Uncertain significance for Inborn genetic diseases. Last evaluated: 2026-07-07. Review status: criteria provided, single submitter. Criteria: Ambry Variant Classification Scheme 2023. Collection method: clinical testing. Allele origin: germline.
Comment: The p.A1325V variant (also known as c.3974C>T), located in coding exon 28 of the RYR1 gene, results from a C to T substitution at nucleotide position 3974. The alanine at codon 1325 is replaced by valine, an amino acid with similar properties. This amino acid position is conserved. In addition, the in silico prediction for this alteration is inconclusive. Based on the available evidence, the clinical significance of this variant remains unclear.